The following is an entry in ClinVar:

ClinVar aggregate classification (germline): Uncertain significance. Review status: criteria provided, multiple submitters, no conflicts (2 of 4 stars). 9 submissions from 9 submitters: Uncertain significance (9). Last evaluated 2026-03-09.

Conditions:
Xeroderma pigmentosum, group D (XPD). Also called: XERODERMA PIGMENTOSUM, COMPLEMENTATION GROUP D; ERCC2-Related Xeroderma Pigmentosum; XERODERMA PIGMENTOSUM IV; XP, GROUP D; XP, GROUP H. Identifiers: MedGen C0268138, MONDO:0010212, OMIM 278730.
Xeroderma pigmentosum (XP). Identifiers: Orphanet 910, MedGen C0043346, MONDO:0019600.
Trichothiodystrophy 1, photosensitive (TTD1). Also called: TAY SYNDROME; TRICHOTHIODYSTROPHY WITH CONGENITAL ICHTHYOSIS; PIBIDS SYNDROME. Identifiers: Orphanet 33364, MedGen C1866504, MONDO:0011125, OMIM 601675.
Cerebrooculofacioskeletal syndrome 2 (COFS2). Identifiers: MedGen C1853102, MONDO:0012553, OMIM 610756.

Allele frequency attached by ClinVar (database versions not stated): ESP Exome Variant Server 0.00015; gnomAD exomes 0.00018; gnomAD 0.00023 and 0.00026; ExAC 0.00023; TOPMed 0.00019.
gnomAD v4.1: 690 of 1,613,940 alleles (0.043%); highest among the groups gnomAD compares: Non-Finnish European, 0.053%; no homozygotes.

Submissions (9):

Dasa
Classification: Uncertain significance. Last evaluated: 2026-03-09. Review status: criteria provided, single submitter. Criteria: DASA Assertion Criteria. Collection method: clinical testing. Allele origin: germline.
Comment: NM_000400.4(ERCC2):c.1606G>A (p.Val536Met) is a missense variant that results in the substitution of valine with methionine. This variant is rare in population databases. Computational prediction algorithms are consistent with a deleterious effect. The currently available literature and clinical evidence are not sufficient to establish a definitive association between this variant and the reported condition. Therefore, this variant is classified as a variant of uncertain significance.

Center for Genomic Medicine, Rigshospitalet, Copenhagen University Hospital
Classification: Uncertain significance. Last evaluated: 2025-03-04. Review status: criteria provided, single submitter. Criteria: ACMG Guidelines, 2015. Collection method: clinical testing. Allele origin: germline.

GeneDx
Classification: Uncertain significance. Last evaluated: 2024-05-31. Review status: criteria provided, single submitter. Criteria: GeneDx Variant Classification Process June 2021. Collection method: clinical testing. Allele origin: germline. Affected: yes.
Comment: Published functional studies are inconclusive: able to complement nucleotide excision repair in deficient cells and decreased transcriptional activation capability (PMID: 27504877); Observed in individuals with breast cancer, osteosarcoma, thyroid carcinoma, leukemia, low grade glioma, or primary ovarian insufficiency (PMID: 33095795, 34308104, 27504877, 32191290, 31937902, 26689913); In silico analysis supports that this missense variant has a deleterious effect on protein structure/function; This variant is associated with the following publications: (PMID: 27504877, 27085493, 33095795, 32191290, 34308104, 31937902, 26689913, 29641532)

Fulgent Genetics
Classification: Uncertain significance for Xeroderma pigmentosum, group D; Trichothiodystrophy 1, photosensitive; Cerebrooculofacioskeletal syndrome 2. Last evaluated: 2024-01-30. Review status: criteria provided, single submitter. Criteria: ACMG Guidelines, 2015. Collection method: clinical testing. Allele origin: germline.

Labcorp Genetics (formerly Invitae), Labcorp
Classification: Uncertain significance. Last evaluated: 2022-10-17. Review status: criteria provided, single submitter. Criteria: Invitae Variant Classification Sherloc (09022015). Collection method: clinical testing. Allele origin: germline.
Comment: This sequence change replaces valine, which is neutral and non-polar, with methionine, which is neutral and non-polar, at codon 536 of the ERCC2 protein (p.Val536Met). This variant is present in population databases (rs142568756, gnomAD 0.03%). This missense change has been observed in individual(s) with breast cancer (PMID: 27504877). ClinVar contains an entry for this variant (Variation ID: 893766). Advanced modeling of protein sequence and biophysical properties (such as structural, functional, and spatial information, amino acid conservation, physicochemical variation, residue mobility, and thermodynamic stability) performed at Invitae indicates that this missense variant is expected to disrupt ERCC2 protein function. Experimental studies have shown that this missense change affects ERCC2 function (PMID: 27504877). In summary, the available evidence is currently insufficient to determine the role of this variant in disease. Therefore, it has been classified as a Variant of Uncertain Significance.

Sema4
Classification: Uncertain significance for Xeroderma pigmentosum. Last evaluated: 2021-12-21. Review status: criteria provided, single submitter. Criteria: Sema4 Curation Guidelines. Collection method: curation. Allele origin: germline.
Comment: The ERCC2 c.1606G>A (p.V536M) variant has been reported in heterozygosity in at least 3 individuals with breast cancer and primary ovarian insufficiency (PMID: 27504877, 33095795), and in a deceased individual with poorly differentiated thyroid carcinomas (PMID 31937902). This variant was observed in 57/282820 chromosomes in the large and broad cohorts of the Genome Aggregation Database (PMID: 32461654). This variant has been reported in ClinVar (Variation ID 893766). In silico tools suggest the impact of the variant on protein function is deleterious. Functional studies have shown that this variant alters the protein transcription but not complementation in NER-deficient cells (PMID: 27504877). The evidence is insufficient to meet ACMG/AMP criteria for classifying the variant as benign or pathogenic. Thus, the clinical significance of this variant is currently uncertain.

Department of Pathology and Laboratory Medicine, Sinai Health System
Classification: Uncertain significance for Xeroderma pigmentosum, group D; Trichothiodystrophy 1, photosensitive; Cerebrooculofacioskeletal syndrome 2. Last evaluated: 2021-07-30. Review status: criteria provided, single submitter. Criteria: ACMG Guidelines, 2015. Collection method: research. Allele origin: germline.

Revvity Omics, Revvity
Classification: Uncertain significance. Last evaluated: 2020-01-30. Review status: criteria provided, single submitter. Criteria: ACMG Guidelines, 2015. Collection method: clinical testing. Allele origin: germline.

Illumina Laboratory Services, Illumina
Classification: Uncertain significance for Xeroderma pigmentosum, group D. Last evaluated: 2017-04-28. Review status: criteria provided, single submitter. Criteria: ICSL Variant Classification Criteria 13 December 2019. Collection method: clinical testing. Allele origin: germline.

Literature cited by the submitters: PubMed 26996949 (cited by Center for Genomic Medicine, Rigshospitalet, Copenhagen University Hospital); PubMed 27504877 (cited by Labcorp Genetics (formerly Invitae), Labcorp and Sema4); PubMed 33095795 (cited by Sema4); PubMed 31937902 (cited by Sema4).

NM_000400.4(ERCC2):c.1606G>A (p.Val536Met)

Gene: ERCC2 (ERCC excision repair 2, TFIIH core complex helicase subunit; minus strand). Cytogenetic location: 19q13.32.
Variant type: single nucleotide variant.
Coding change: c.1606G>A on transcript NM_000400.4 (MANE Select); coding-DNA position 1606, G replaced by A.
Protein change: p.Val536Met; replaces valine 536 with methionine.
Molecular consequence: missense variant.
Genome position (GRCh38, 1-based): chr19:45,354,789, C>T on the plus strand (G>A on the coding strand, the complement: ERCC2 is on the minus strand). VCF-style: chr19-45354789-C-T. GRCh37 (hg19) VCF-style: chr19-45858047-C-T.
Other names: short protein forms V536M.
Identifiers: ClinVar variation 893766 (VCV000893766.18), dbSNP rs142568756, ClinGen allele CA9513188.